The following is an entry in ClinVar:

NM_182916.3(TRNT1):c.586C>G (p.Leu196Val)

Gene: TRNT1 (tRNA nucleotidyl transferase 1; plus strand). Cytogenetic location: 3p26.2.
Variant type: single nucleotide variant.
Coding change: c.586C>G on transcript NM_182916.3 (MANE Select); coding-DNA position 586, C replaced by G.
Protein change: p.Leu196Val; replaces leucine 196 with valine.
Molecular consequence: missense variant. On other transcripts: non-coding transcript variant (8).
Genome position (GRCh38, 1-based): chr3:3,144,688, C>G. VCF-style: chr3-3144688-C-G. GRCh37 (hg19) VCF-style: chr3-3186372-C-G.
Other names: c.586C>G, p.Leu196Val (NM_001302946.2, NM_001367321.1, NM_001367322.1 and 1 more transcripts); short protein forms L196V.
Identifiers: ClinVar variation 2121198 (VCV002121198.4), dbSNP rs1427725570, ClinGen allele CA351445279.
Genomic context (GRCh38, chr3:3,144,688, plus strand): 5'-TTAAAAAATAAGAAAGTTAGATTTGTTGGACATGCTAAACAGAGAATACAAGAGGATTAT[C>G]TTAGAATTTTAAGATACTTCAGGTAAGAATTTTTAAAAATAAAAAATGATAGTTTTAATA-3'
Protein context (NP_886552.3, residues 186-206): HAKQRIQEDY[Leu196Val]RILRYFRFYG

ClinVar aggregate classification (germline): Uncertain significance (1 of 4 stars; one submission).

Conditions:
Congenital sideroblastic anemia-B-cell immunodeficiency-periodic fever-developmental delay syndrome. Also called: Sideroblastic anemia with B-cell immunodeficiency, periodic fevers, and developmental delay. Identifiers: Orphanet 369861, MedGen C4015172, MONDO:0014487, OMIM 616084.

Allele frequency attached by ClinVar (database versions not stated): TOPMed 0.00001.

Submission:

Labcorp Genetics (formerly Invitae), Labcorp
Classification: Uncertain significance for Congenital sideroblastic anemia-B-cell immunodeficiency-periodic fever-developmental delay syndrome. Last evaluated: 2022-04-03. Review status: criteria provided, single submitter. Criteria: Invitae Variant Classification Sherloc (09022015). Collection method: clinical testing. Allele origin: germline.
Comment: This sequence change replaces leucine, which is neutral and non-polar, with valine, which is neutral and non-polar, at codon 196 of the TRNT1 protein (p.Leu196Val). This variant is not present in population databases (gnomAD no frequency). This variant has not been reported in the literature in individuals affected with TRNT1-related conditions. Algorithms developed to predict the effect of missense changes on protein structure and function (SIFT, PolyPhen-2, Align-GVGD) all suggest that this variant is likely to be disruptive. In summary, the available evidence is currently insufficient to determine the role of this variant in disease. Therefore, it has been classified as a Variant of Uncertain Significance.